The following is an entry in ClinVar:

NM_001003800.2(BICD2):c.1633A>G (p.Asn545Asp)

Gene: BICD2 (BICD cargo adaptor 2; minus strand). Cytogenetic location: 9q22.31.
Variant type: single nucleotide variant.
Coding change: c.1633A>G on transcript NM_001003800.2 (MANE Select); coding-DNA position 1633, A replaced by G.
Protein change: p.Asn545Asp; replaces asparagine 545 with aspartic acid.
Molecular consequence: missense variant.
Genome position (GRCh38, 1-based): chr9:92,719,012, T>C on the plus strand (A>G on the coding strand, the complement: BICD2 is on the minus strand). VCF-style: chr9-92719012-T-C. GRCh37 (hg19) VCF-style: chr9-95481294-T-C.
Other names: c.1633A>G, p.Asn545Asp (NM_015250.4); short protein forms N545D.
Identifiers: ClinVar variation 650473 (VCV000650473.9), dbSNP rs1587668769, ClinGen allele CA374036629.
Genomic context (GRCh38, chr9:92,719,012, plus strand): 5'-CGGCCCCGCCCTGGCCCTCGCGGTAGTAGTCCAGCATGACACGGTTGGGTGTCTCATTGT[T>C]GCACATGCACACGTGGTGGTAGAGATTGGCCAGCTCCTCACTGAAGGTCACCAGCTCATC-3'
Protein context (NP_001003800.1, residues 535-555): ANLYHHVCMC[Asn545Asp]NETPNRVMLD

ClinVar aggregate classification (germline): Likely pathogenic (1 of 4 stars; one submission).

Conditions:
Autosomal dominant childhood-onset proximal spinal muscular atrophy with contractures (SMALED2A). Also called: SPINAL MUSCULAR ATROPHY, LOWER EXTREMITY-PREDOMINANT, 2A, CHILDHOOD ONSET, AUTOSOMAL DOMINANT; Spinal muscular atrophy, lower extremity-predominant, 2A, autosomal dominant. Identifiers: Orphanet 363447, Orphanet 363454, MedGen C4747715, MONDO:0014121, OMIM 615290.

Submission:

Labcorp Genetics (formerly Invitae), Labcorp
Classification: Likely pathogenic for Autosomal dominant childhood-onset proximal spinal muscular atrophy with contractures. Last evaluated: 2022-08-31. Review status: criteria provided, single submitter. Criteria: Invitae Variant Classification Sherloc (09022015). Collection method: clinical testing. Allele origin: germline.
Comment: This missense change has been observed in individual(s) with clinical features consistent with BICD2-related spinal muscular atrophy (Invitae). In at least one individual the variant was observed to be de novo. In summary, the currently available evidence indicates that the variant is pathogenic, but additional data are needed to prove that conclusively. Therefore, this variant has been classified as Likely Pathogenic. Algorithms developed to predict the effect of missense changes on protein structure and function are either unavailable or do not agree on the potential impact of this missense change (SIFT: "Deleterious"; PolyPhen-2: "Probably Damaging"; Align-GVGD: "Class C0"). ClinVar contains an entry for this variant (Variation ID: 650473). This variant is not present in population databases (gnomAD no frequency). This sequence change replaces asparagine, which is neutral and polar, with aspartic acid, which is acidic and polar, at codon 545 of the BICD2 protein (p.Asn545Asp).